The following is an entry in ClinVar:

ClinVar aggregate classification (germline): Pathogenic (1 of 4 stars; one submission).

Conditions:
Fanconi anemia (FA). Also called: Fanconi's anemia. Identifiers: Orphanet 84, MedGen C0015625, MeSH D005199, MONDO:0019391.

Submission:

Labcorp Genetics (formerly Invitae), Labcorp
Classification: Pathogenic for Fanconi anemia. Last evaluated: 2023-08-04. Review status: criteria provided, single submitter. Criteria: Invitae Variant Classification Sherloc (09022015). Collection method: clinical testing. Allele origin: unknown.
Comment: For these reasons, this variant has been classified as Pathogenic. This variant has not been reported in the literature in individuals affected with FANCL-related conditions. This variant is a gross deletion of the genomic region encompassing exon(s) 3 of the FANCL gene. This deletion is out-of-frame, and is expected to create a premature termination codon and result in an absent or disrupted protein product. Loss-of-function variants in FANCL are known to be pathogenic (PMID: 19405097, 23613520).

Literature cited by the submitters: PubMed 19405097; PubMed 23613520.

NC_000002.11:g.(?_58456939)_(58457019_?)del

Gene: FANCL (FA complementation group L; minus strand). Cytogenetic location: 2p16.1.
Variant type: Deletion.
Identifiers: ClinVar variation 3247124 (VCV003247124.1).